The following is an entry in ClinVar:

ClinVar aggregate classification (germline): Uncertain significance (1 of 4 stars; one submission).

Submission:

GeneDx
Classification: Uncertain significance. Last evaluated: 2019-06-10. Review status: criteria provided, single submitter. Criteria: GeneDx Variant Classification Process June 2021. Collection method: clinical testing. Allele origin: germline. Affected: yes.
Comment: Not observed in large population cohorts (Lek et al., 2016); In silico analysis, which includes protein predictors and evolutionary conservation, supports a deleterious effect; Has not been previously published as pathogenic or benign to our knowledge

NM_012330.4(KAT6B):c.786A>T (p.Leu262Phe)

Gene: KAT6B (lysine acetyltransferase 6B; plus strand). Cytogenetic location: 10q22.2.
Variant type: single nucleotide variant.
Coding change: c.786A>T on transcript NM_012330.4 (MANE Select); coding-DNA position 786, A replaced by T.
Protein change: p.Leu262Phe; replaces leucine 262 with phenylalanine.
Molecular consequence: missense variant. On other transcripts: intron variant (2).
Genome position (GRCh38, 1-based): chr10:74,969,715, A>T. VCF-style: chr10-74969715-A-T. GRCh37 (hg19) VCF-style: chr10-76729473-A-T.
Other names: c.786A>T, p.Leu262Phe (NM_001256468.2, NM_001256469.2, NM_001370132.1 and 10 more transcripts); c.193-9509A>T (NM_001370134.1); c.192+9637A>T (NM_001370135.1); short protein forms L262F.
Identifiers: ClinVar variation 1306431 (VCV001306431.2), dbSNP rs2133654251, ClinGen allele CA377281741.